The following is an entry in ClinVar:

ClinVar aggregate classification (germline): Uncertain significance (1 of 4 stars; one submission).

Submission:

Labcorp Genetics (formerly Invitae), Labcorp
Classification: Uncertain significance. Last evaluated: 2024-03-11. Review status: criteria provided, single submitter. Criteria: Invitae Variant Classification Sherloc (09022015). Collection method: clinical testing. Allele origin: germline.
Comment: This sequence change creates a premature translational stop signal (p.Ala38Glnfs*10) in the OPN1SW gene. It is expected to result in an absent or disrupted protein product. However, the current clinical and genetic evidence is not sufficient to establish whether loss-of-function variants in OPN1SW cause disease. This variant is not present in population databases (gnomAD no frequency). This variant has not been reported in the literature in individuals affected with OPN1SW-related conditions. ClinVar contains an entry for this variant (Variation ID: 2000824). In summary, the available evidence is currently insufficient to determine the role of this variant in disease. Therefore, it has been classified as a Variant of Uncertain Significance.

NM_001385125.1(OPN1SW):c.103del (p.Ala35fs)

Gene: OPN1SW (opsin 1, short wave sensitive; minus strand). Cytogenetic location: 7q32.1.
Variant type: Deletion.
Coding change: c.103del on transcript NM_001385125.1 (MANE Select); coding-DNA position 103, one base deleted (G; older notation c.103delG).
Protein change: p.Ala35fs; shifts the reading frame from alanine 35.
Molecular consequence: frameshift variant.
Genome position (GRCh38, 1-based): chr7:128,775,679, C deleted on the plus strand (G on the coding strand, the reverse complement: OPN1SW is on the minus strand); the first of 2 consecutive C bases (chr7:128,775,679-128,775,680); deleting either gives the same sequence. VCF-style (leftmost placement, unchanged base first): chr7-128775678-GC-G. GRCh37 (hg19) VCF-style: chr7-128415732-GC-G.
Other names: short protein forms A35fs.
Identifiers: ClinVar variation 2000824 (VCV002000824.4), dbSNP rs1266608291, ClinGen allele CA833117179.